The following is an entry in ClinVar:

NM_001368894.2(PAX6):c.413del (p.Asn138fs)

Gene: PAX6 (paired box 6; minus strand). Cytogenetic location: 11p13.
Variant type: Deletion.
Coding change: c.413del on transcript NM_001368894.2 (MANE Select); coding-DNA position 413, one base deleted (A; older notation c.413delA).
Protein change: p.Asn138fs; shifts the reading frame from asparagine 138.
Molecular consequence: frameshift variant. On other transcripts: 5 prime UTR variant (14), non-coding transcript variant (2).
Genome position (GRCh38, 1-based): chr11:31,800,843, T deleted on the plus strand (A on the coding strand, the reverse complement: PAX6 is on the minus strand); the first of 3 consecutive T bases (chr11:31,800,843-31,800,845); deleting any one gives the same sequence. VCF-style (leftmost placement, unchanged base first): chr11-31800842-GT-G. GRCh37 (hg19) VCF-style: chr11-31822390-GT-G.
Other names: c.371delA (NM_000280.4, NM_000280.3); c.371del, p.Asn124fs (NM_000280.6, NM_001127612.3, NM_001258464.2 and 10 more transcripts); c.413del, p.Asn138fs (NM_001258462.3, NM_001258463.2, NM_001310158.2 and 6 more transcripts); c.-38del (NM_001310160.2, NM_001310161.3, NM_001368899.2 and 11 more transcripts); c.614del, p.Asn205fs (NM_001368910.2); c.416del, p.Asn139fs (NM_001368911.2); c.488del, p.Asn163fs (NM_001368918.2, NM_001368919.2); c.446del, p.Asn149fs (NM_001368920.2); and 2 more; short protein forms N124fs, N139fs, N163fs, N205fs, N149fs, N57fs, N138fs, N71fs.
Identifiers: ClinVar variation 279861 (VCV000279861.6), dbSNP rs886041221, ClinGen allele CA10603203.
Genomic context (GRCh38, chr11:31,800,842, plus strand): 5'-ATCATACATGCCGTCTGCGCCCATCTGTTGCTTTTCGCTAGCCAGGTTGCGAAGAACTCT[GT>G]TTATTGATGACACCTGCAAATCAAACCAAAATCAAACCAAATGGTAGTGTCTCCTGAAGA-3'

ClinVar aggregate classification (germline): Pathogenic. Review status: criteria provided, single submitter (1 of 4 stars). 2 submissions from 2 submitters: Pathogenic (1). 1 of the submissions does not count toward it. Last evaluated 2025-05-29.

Conditions:
Aniridia 1 (AN1). Identifiers: Orphanet 250923, MedGen C0344542, MONDO:0024507, OMIM 106210.

Submissions (2):

GeneDx
Classification: Pathogenic. Last evaluated: 2025-05-29. Review status: criteria provided, single submitter. Criteria: GeneDx Variant Classification Process June 2021. Collection method: clinical testing. Allele origin: germline. Affected: yes.
Comment: Frameshift variant predicted to result in protein truncation or nonsense mediated decay in a gene for which loss of function is a known mechanism of disease; Not observed at significant frequency in large population cohorts (gnomAD); This variant is associated with the following publications: (PMID: 7909985, 28321846)

Laboratory of Genetic Epidemiology, Research Centre for Medical Genetics
Classification: Pathogenic for Aniridia 1. Review status: no assertion criteria provided. Collection method: research. Allele origin: paternal. Inheritance: Autosomal dominant inheritance. Affected: yes. Observed: 1 heterozygote. Not counted in ClinVar's aggregate classification.

Literature cited by the submitters: PubMed 28321846 (cited by Laboratory of Genetic Epidemiology, Research Centre for Medical Genetics).